The following is an entry in ClinVar:

NM_001367561.1(DOCK7):c.2767G>T (p.Gly923Cys)

Gene: DOCK7 (dedicator of cytokinesis 7; minus strand). Cytogenetic location: 1p31.3.
Variant type: single nucleotide variant.
Coding change: c.2767G>T on transcript NM_001367561.1 (MANE Select); coding-DNA position 2767, G replaced by T.
Protein change: p.Gly923Cys; replaces glycine 923 with cysteine.
Molecular consequence: missense variant. On other transcripts: intron variant (3).
Genome position (GRCh38, 1-based): chr1:62,545,039, C>A on the plus strand (G>T on the coding strand, the complement: DOCK7 is on the minus strand). VCF-style: chr1-62545039-C-A. GRCh37 (hg19) VCF-style: chr1-63010710-C-A.
Other names: c.2767G>T, p.Gly923Cys (NM_001271999.2, NM_001330614.2); c.2767-1294G>T (NM_001272001.2, NM_001272000.2, NM_033407.4); short protein forms G923C.
Identifiers: ClinVar variation 659804 (VCV000659804.7), dbSNP rs868148362, ClinGen allele CA23744222.

ClinVar aggregate classification (germline): Uncertain significance (1 of 4 stars; one submission).

Conditions:
Developmental and epileptic encephalopathy, 23 (DEE23). Also called: Epileptic encephalopathy, early infantile, 23. Identifiers: Orphanet 411986, MedGen C4014492, MONDO:0014371, OMIM 615859.

Allele frequency attached by ClinVar (database versions not stated): gnomAD exomes 0.00001 and 0.00002; gnomAD 0.00016 and 0.00018; TOPMed 0.00019.
gnomAD v4.1: 31 of 1,547,572 alleles (0.002%); highest among the groups gnomAD compares: African/African-American, 0.041%; no homozygotes.

Submission:

Labcorp Genetics (formerly Invitae), Labcorp
Classification: Uncertain significance for Developmental and epileptic encephalopathy, 23. Last evaluated: 2023-11-27. Review status: criteria provided, single submitter. Criteria: Invitae Variant Classification Sherloc (09022015). Collection method: clinical testing. Allele origin: germline.
Comment: This sequence change replaces glycine, which is neutral and non-polar, with cysteine, which is neutral and slightly polar, at codon 923 of the DOCK7 protein (p.Gly923Cys). This variant is present in population databases (no rsID available, gnomAD 0.04%). This variant has not been reported in the literature in individuals affected with DOCK7-related conditions. ClinVar contains an entry for this variant (Variation ID: 659804). An algorithm developed to predict the effect of missense changes on protein structure and function (PolyPhen-2) suggests that this variant is likely to be disruptive. In summary, the available evidence is currently insufficient to determine the role of this variant in disease. Therefore, it has been classified as a Variant of Uncertain Significance.